The following is an entry in ClinVar:

ClinVar aggregate classification (germline): Uncertain significance (1 of 4 stars; one submission).

Submission:

CeGaT Center for Human Genetics Tuebingen
Classification: Uncertain significance. Last evaluated: 2025-06-01. Review status: criteria provided, single submitter. Criteria: CeGaT Center For Human Genetics Tuebingen Variant Classification Criteria Version 2. Collection method: clinical testing. Allele origin: germline. Affected: yes. Observed: 1 variant allele.
Comment: ABCC9: PM2:Supporting, BP4

NM_020297.4(ABCC9):c.2529C>T (p.Asp843=)

Gene: ABCC9 (ATP binding cassette subfamily C member 9; minus strand). Cytogenetic location: 12p12.1.
Variant type: single nucleotide variant.
Coding change: c.2529C>T on transcript NM_020297.4 (MANE Select); coding-DNA position 2529, C replaced by T.
Protein change: p.Asp843=; no amino-acid change (aspartic acid 843 retained).
Molecular consequence: synonymous variant.
Genome position (GRCh38, 1-based): chr12:21,852,482, G>A on the plus strand (C>T on the coding strand, the complement: ABCC9 is on the minus strand). VCF-style: chr12-21852482-G-A. GRCh37 (hg19) VCF-style: chr12-22005416-G-A.
Other names: c.2529C>T, p.Asp843= (NM_001377273.1, NM_005691.4); c.1662C>T, p.Asp554= (NM_001377274.1).
Identifiers: ClinVar variation 4085154 (VCV004085154.8).